The following is an entry in ClinVar:

NM_017514.5(PLXNA3):c.5599G>A (p.Val1867Met)

Gene: PLXNA3 (plexin A3; plus strand). Cytogenetic location: Xq28.
Variant type: single nucleotide variant.
Coding change: c.5599G>A on transcript NM_017514.5 (MANE Select); coding-DNA position 5599, G replaced by A.
Protein change: p.Val1867Met; replaces valine 1867 with methionine.
Molecular consequence: missense variant.
Genome position (GRCh38, 1-based): chrX:154,472,668, G>A. VCF-style: chrX-154472668-G-A. GRCh37 (hg19) VCF-style: chrX-153701011-G-A.
Other names: short protein forms V1867M.
Identifiers: ClinVar variation 3307911 (VCV003307911.2).

ClinVar aggregate classification (germline): Uncertain significance. Review status: criteria provided, single submitter (1 of 4 stars). 2 submissions from 2 submitters: Uncertain significance (1). 1 of the submissions does not count toward it. Last evaluated 2024-05-29.

Conditions:
PLXNA3-related disorder. Also called: PLXNA3-related condition.

gnomAD v4.1: 56 of 1,196,353 alleles (0.0047%); highest among the groups gnomAD compares: East Asian, 0.14%; 1 homozygote.

Submissions (2):

Ambry Genetics
Classification: Uncertain significance. Last evaluated: 2024-05-29. Review status: criteria provided, single submitter. Criteria: Ambry Variant Classification Scheme 2023. Collection method: clinical testing. Allele origin: germline.

PreventionGenetics, part of Exact Sciences
Classification: Likely benign for PLXNA3-related condition. Last evaluated: 2024-05-02. Review status: no assertion criteria provided. Collection method: clinical testing. Allele origin: germline. Not counted in ClinVar's aggregate classification.
Comment: This variant is classified as likely benign based on ACMG/AMP sequence variant interpretation guidelines (Richards et al. 2015 PMID: 25741868, with internal and published modifications).